The following is an entry in ClinVar:

ClinVar aggregate classification (germline): Likely pathogenic (1 of 4 stars; one submission).

Conditions:
Hypertrophic cardiomyopathy 4. Also called: Familial hypertrophic cardiomyopathy 4. Identifiers: MedGen C1861862, MONDO:0007268, OMIM 115197.

Submission:

Juno Genomics, Hangzhou Juno Genomics, Inc
Classification: Likely pathogenic for Hypertrophic cardiomyopathy 4. Review status: criteria provided, single submitter. Criteria: ACMG Guidelines, 2015. Collection method: clinical testing. Allele origin: germline.
Comment: Absent from controls (or at extremely low frequency if recessive) in Genome Aggregation Database.;Null variant in a gene where loss of function (LOF) is a known mechanism of disease.

NM_000256.3(MYBPC3):c.3701del (p.Gly1234fs)

Gene: MYBPC3 (myosin binding protein C3; minus strand). Cytogenetic location: 11p11.2.
Variant type: Deletion.
Coding change: c.3701del on transcript NM_000256.3 (MANE Select); coding-DNA position 3701, one base deleted (G; older notation c.3701delG).
Protein change: p.Gly1234fs; shifts the reading frame from glycine 1234.
Molecular consequence: frameshift variant.
Genome position (GRCh38, 1-based): chr11:47,332,185, C deleted on the plus strand (G on the coding strand, the reverse complement: MYBPC3 is on the minus strand); the first of 3 consecutive C bases (chr11:47,332,185-47,332,187); deleting any one gives the same sequence. VCF-style (leftmost placement, unchanged base first): chr11-47332184-TC-T. GRCh37 (hg19) VCF-style: chr11-47353735-TC-T.
Other names: short protein forms G1234fs.
Identifiers: ClinVar variation 5018970 (VCV005018970.2).
Genomic context (GRCh38, chr11:47,332,184, plus strand): 5'-CCTGCAGACATAGATGCCCCCGTCAAAGGGGCAGGGCTTTCTAATCTCCAGAGTCAACAC[TC>T]CCTGCTTGCTGAACATGCGGAAGCGGGCGTCTTCTCCCAGGTCCAGGCCATTCTTGAACC-3'